The following is an entry in ClinVar:

NM_016938.5(EFEMP2):c.1044_1059dup (p.Arg354fs)

Gene: EFEMP2 (EGF-like fibulin extracellular matrix protein 2; minus strand). Cytogenetic location: 11q13.1.
Variant type: Duplication.
Coding change: c.1044_1059dup on transcript NM_016938.5 (MANE Select); coding-DNA positions 1044 to 1059, 16 bases duplicated (GACCATCACCTCGGAG).
Protein change: p.Arg354fs; shifts the reading frame from arginine 354.
Molecular consequence: frameshift variant. On other transcripts: non-coding transcript variant (1).
Genome position (GRCh38, 1-based): chr11:65,867,972-65,867,987, CTCCGAGGTGATGGTC duplicated on the plus strand (GACCATCACCTCGGAG on the coding strand, the reverse complement: EFEMP2 is on the minus strand). VCF-style (leftmost placement, unchanged base first): chr11-65867971-G-GCTCCGAGGTGATGGTC. GRCh37 (hg19) VCF-style: chr11-65635442-G-GCTCCGAGGTGATGGTC.
Other names: short protein forms R354fs.
Identifiers: ClinVar variation 3644932 (VCV003644932.2).
Genomic context (GRCh38, chr11:65,867,971, plus strand): 5'-TGTAGGCACCGGGGTAGACGGAGGTCGCCTGGATCTGGAACACGTCAGCGGGCACGCTCC[G>GCTCCGAGGTGATGGTC]CTCCGAGGTGATGGTCATGTAGCGGTGCACAATGGATGAAGGCTGCTCTCGACATAGAGG-3'

ClinVar aggregate classification (germline): Pathogenic (1 of 4 stars; one submission).

Conditions:
Cutis laxa, autosomal recessive, type 1B (ARCL1B). Also called: CUTIS LAXA, AUTOSOMAL RECESSIVE, TYPE IB; EFEMP2-Related Cutis Laxa. Identifiers: Orphanet 90349, MedGen C3280798, MONDO:0013754, OMIM 614437. Disease mechanism: loss of function.

Submission:

Labcorp Genetics (formerly Invitae), Labcorp
Classification: Pathogenic for Cutis laxa, autosomal recessive, type 1B. Last evaluated: 2024-03-07. Review status: criteria provided, single submitter. Criteria: Invitae Variant Classification Sherloc (09022015). Collection method: clinical testing. Allele origin: germline.
Comment: This sequence change creates a premature translational stop signal (p.Arg354Aspfs*11) in the EFEMP2 gene. It is expected to result in an absent or disrupted protein product. Loss-of-function variants in EFEMP2 are known to be pathogenic (PMID: 17937443). This variant is not present in population databases (gnomAD no frequency). This variant has not been reported in the literature in individuals affected with EFEMP2-related conditions. For these reasons, this variant has been classified as Pathogenic.

Literature cited by the submitters: PubMed 17937443.